The following is an entry in ClinVar:

NM_001347721.2(DYRK1A):c.896T>C (p.Phe299Ser)

Gene: DYRK1A (dual specificity tyrosine phosphorylation regulated kinase 1A; plus strand). Cytogenetic location: 21q22.13.
Variant type: single nucleotide variant.
Coding change: c.896T>C on transcript NM_001347721.2 (MANE Select); coding-DNA position 896, T replaced by C.
Protein change: p.Phe299Ser; replaces phenylalanine 299 with serine.
Molecular consequence: missense variant.
Genome position (GRCh38, 1-based): chr21:37,490,433, T>C. VCF-style: chr21-37490433-T-C. GRCh37 (hg19) VCF-style: chr21-38862735-T-C.
Other names: c.896T>C, p.Phe299Ser (NM_001347722.2, NM_130436.2); c.809T>C, p.Phe270Ser (NM_001347723.2); c.923T>C, p.Phe308Ser (NM_001396.5, NM_101395.2, NM_130438.2); short protein forms F308S, F270S, F299S.
Identifiers: ClinVar variation 594952 (VCV000594952.7), dbSNP rs1569376809, ClinGen allele CA409947864.

ClinVar aggregate classification (germline): Likely pathogenic. Review status: criteria provided, multiple submitters, no conflicts (2 of 4 stars). 2 submissions from 2 submitters: Likely pathogenic (2). Last evaluated 2017-12-11.

Conditions:
DYRK1A-related intellectual disability syndrome (MRD7). Also called: Intellectual developmental disorder, autosomal dominant 7; DYRK1A Syndrome. Identifiers: Orphanet 464306, MedGen C5568143, MONDO:0013578, OMIM 614104.

Submissions (2):

Eurofins Ntd Llc (ga)
Classification: Likely pathogenic. Last evaluated: 2017-12-11. Review status: criteria provided, single submitter. Criteria: EGL Classification Definitions 2015. Collection method: clinical testing. Allele origin: germline. Observed: 1 variant allele, 1 heterozygote.

Institute for Genomic Statistics and Bioinformatics, University Hospital Bonn
Classification: Likely pathogenic for DYRK1A-related intellectual disability syndrome. Review status: criteria provided, single submitter. Criteria: ACMG Guidelines, 2015. Collection method: clinical testing. Allele origin: de novo. Inheritance: Autosomal dominant inheritance. Affected: yes. Observed: 1 heterozygote.
Comment: A likely disease-causing missense variant was detected in the DYRK1A gene. The sequencing of exon 6 (NM_001396.3) revealed a heterozygous base exchange at nucleotide position 923 of the cDNA. The designation of the variant is: c.923T> C; p.(Phe308Ser). This replaces the codon for the amino acid phenylalanine (TTT) with the codon for the amino acid serine (TCT). This variant could not be demonstrated in the parents. The missense variant is not recorded in population-related databases. In the phenotype-related database ClinVar it is listed as likely to be pathogenic, in LOVD and HGMD it is not recorded. The mutation prediction programs MutationTaster, SIFT and PolyPhen-2 assess the variant as pathogenic, the CADD score is 32. It is a highly conserved amino acid, which is located in a tyrosine kinase domain. The ACMG classification of the variant is: probably pathogenic (class 4: PS2, PM1, PM2, PP3). As an enzyme (protein kinase), the DYRK1A protein plays an important role in the differentiation, proliferation and survival of cells. Certain variants in the DYRK1A gene have been associated with autosomal dominant mental retardation 7 (OMIM # 614104). This syndrome is characterized by a delay in development or a decrease in intelligence, autistic behavioral traits, microcephaly, seizures, and dysmorphia of the face and ears. Various missense, splice, nonsense and frame shift variants have already been described as causing the disease. Functional studies have shown that a different exchange of the same amino acid (p. (Phe308Val)) in the DYRK1A protein leads to a functional failure (Widowati, et al., 2018, PMID: 29700199).